The following is an entry in ClinVar:

ClinVar aggregate classification (germline): Uncertain significance (1 of 4 stars; one submission).

Conditions:
Progressive familial heart block type IB (PFHB1B). Identifiers: Orphanet 871, MedGen C1970298, MONDO:0011474, OMIM 604559.

Allele frequency attached by ClinVar (database versions not stated): TOPMed 0.00001.

Submission:

Labcorp Genetics (formerly Invitae), Labcorp
Classification: Uncertain significance for Progressive familial heart block type IB. Last evaluated: 2022-12-06. Review status: criteria provided, single submitter. Criteria: Invitae Variant Classification Sherloc (09022015). Collection method: clinical testing. Allele origin: germline.
Comment: This sequence change creates a premature translational stop signal (p.Met175Aspfs*23) in the TRPM4 gene. It is expected to result in an absent or disrupted protein product. However, the current clinical and genetic evidence is not sufficient to establish whether loss-of-function variants in TRPM4 cause disease. In summary, the available evidence is currently insufficient to determine the role of this variant in disease. Therefore, it has been classified as a Variant of Uncertain Significance. This variant has not been reported in the literature in individuals affected with TRPM4-related conditions. This variant is not present in population databases (gnomAD no frequency).

NM_017636.4(TRPM4):c.521dup (p.Met175fs)

Gene: TRPM4 (transient receptor potential cation channel subfamily M member 4; plus strand). Cytogenetic location: 19q13.33.
Variant type: Duplication.
Coding change: c.521dup on transcript NM_017636.4 (MANE Select); coding-DNA position 521, one base duplicated (A; older notation c.521dupA).
Protein change: p.Met175fs; shifts the reading frame from methionine 175.
Molecular consequence: frameshift variant. On other transcripts: 5 prime UTR variant (2), intron variant (2).
Genome position (GRCh38, 1-based): chr19:49,168,332, A duplicated. VCF-style (leftmost placement, unchanged base first): chr19-49168331-C-CA. GRCh37 (hg19) VCF-style: chr19-49671588-C-CA.
Other names: c.521dup, p.Met175fs (NM_001195227.2); c.-1033dup (NM_001321282.2); c.-2dup (NM_001321283.2); c.268-221dup (NM_001321281.2); c.-237-221dup (NM_001321285.2); short protein forms M175fs.
Identifiers: ClinVar variation 2013170 (VCV002013170.4), dbSNP rs1226844969, ClinGen allele CA883078568.